The following is an entry in ClinVar:

ClinVar aggregate classification (germline): Pathogenic/Likely pathogenic. Review status: criteria provided, multiple submitters, no conflicts (2 of 4 stars). 2 submissions from 2 submitters: Pathogenic (1); Likely pathogenic (1). Last evaluated 2025-02-04.

Conditions:
Marfan syndrome (MFS). Also called: MARFAN SYNDROME, TYPE I; Marfan syndrome type 1; Marfan's syndrome; Marfan syndrome, classic; FBN1-Related Marfan Syndrome. Identifiers: Orphanet 284963, Orphanet 558, MedGen C0024796, MONDO:0007947, OMIM 154700.
Familial thoracic aortic aneurysm and aortic dissection (TAAD). Also called: Thoracic aortic aneurysms and dissections. Identifiers: Orphanet 91387, MedGen C4707243, MONDO:0019625.

Submissions (2):

Labcorp Genetics (formerly Invitae), Labcorp
Classification: Pathogenic for Marfan syndrome; Familial thoracic aortic aneurysm and aortic dissection. Last evaluated: 2025-02-04. Review status: criteria provided, single submitter. Criteria: Invitae Variant Classification Sherloc (09022015). Collection method: clinical testing. Allele origin: germline.
Comment: This sequence change replaces leucine, which is neutral and non-polar, with proline, which is neutral and non-polar, at codon 2268 of the FBN1 protein (p.Leu2268Pro). This variant is not present in population databases (gnomAD no frequency). This missense change has been observed in individual(s) with clinical features of Marfan syndrome (internal data). In at least one individual the variant was observed to be de novo. Invitae Evidence Modeling of protein sequence and biophysical properties (such as structural, functional, and spatial information, amino acid conservation, physicochemical variation, residue mobility, and thermodynamic stability) indicates that this missense variant is expected to disrupt FBN1 protein function with a positive predictive value of 95%. For these reasons, this variant has been classified as Pathogenic.

Clinical Genetics Service, Universitary Hospital 12 de Octubre
Classification: Likely pathogenic for Marfan syndrome. Review status: criteria provided, single submitter. Criteria: ACMG Guidelines, 2015. Collection method: clinical testing. Allele origin: germline. Affected: yes.

NM_000138.5(FBN1):c.6803T>C (p.Leu2268Pro)

Gene: FBN1 (fibrillin 1; minus strand). Cytogenetic location: 15q21.1.
Variant type: single nucleotide variant.
Coding change: c.6803T>C on transcript NM_000138.5 (MANE Select); coding-DNA position 6803, T replaced by C.
Protein change: p.Leu2268Pro; replaces leucine 2268 with proline.
Molecular consequence: missense variant.
Genome position (GRCh38, 1-based): chr15:48,430,739, A>G on the plus strand (T>C on the coding strand, the complement: FBN1 is on the minus strand). VCF-style: chr15-48430739-A-G. GRCh37 (hg19) VCF-style: chr15-48722936-A-G.
Other names: c.6803T>C, p.Leu2268Pro (NM_001406716.1); short protein forms L2268P.
Identifiers: ClinVar variation 4789637 (VCV004789637.2).